The following is an entry in ClinVar:

NM_001283009.2(RTEL1):c.2386G>C (p.Val796Leu)

Genes: RTEL1 (regulator of telomere elongation helicase 1; plus strand), RTEL1-TNFRSF6B (RTEL1-TNFRSF6B readthrough (NMD candidate); plus strand). Cytogenetic location: 20q13.33.
Variant type: single nucleotide variant.
Coding change: c.2386G>C on transcript NM_001283009.2 (MANE Select); coding-DNA position 2386, G replaced by C.
Protein change: p.Val796Leu; replaces valine 796 with leucine.
Molecular consequence: missense variant. On other transcripts: non-coding transcript variant (1).
Genome position (GRCh38, 1-based): chr20:63,690,414, G>C. VCF-style: chr20-63690414-G-C. GRCh37 (hg19) VCF-style: chr20-62321767-G-C.
Other names: c.1717G>C, p.Val573Leu (NM_001283010.1); c.2386G>C, p.Val796Leu (NM_016434.4); c.2458G>C, p.Val820Leu (NM_032957.5); short protein forms V820L, V573L, V796L.
Identifiers: ClinVar variation 1966593 (VCV001966593.6), dbSNP rs774200190, ClinGen allele CA9965311.

ClinVar aggregate classification (germline): Uncertain significance. Review status: criteria provided, multiple submitters, no conflicts (2 of 4 stars). 2 submissions from 2 submitters: Uncertain significance (2). Last evaluated 2025-11-05.

Conditions:
Dyskeratosis congenita, autosomal recessive 5 (DKCB5). Identifiers: MedGen C3554656, MONDO:0014076, OMIM 615190.
Pulmonary fibrosis and/or bone marrow failure, Telomere-related, 3. Also called: PULMONARY FIBROSIS AND/OR BONE MARROW FAILURE SYNDROME, TELOMERE-RELATED, 3. Identifiers: Orphanet 2032, MedGen C4225346, MONDO:0014613, OMIM 616373.
Inborn genetic diseases. Identifiers: MedGen C0950123, MeSH D030342.

Allele frequency attached by ClinVar (database versions not stated): ExAC 0.00001; gnomAD 0.00001; gnomAD exomes 0.00001; TOPMed 0.00002.
gnomAD v4.1: 14 of 1,605,228 alleles (0.00087%); highest among the groups gnomAD compares: Non-Finnish European, 0.0012%; no homozygotes.

Submissions (2):

Ambry Genetics
Classification: Uncertain significance for Inborn genetic diseases. Last evaluated: 2025-11-05. Review status: criteria provided, single submitter. Criteria: Ambry Variant Classification Scheme 2023. Collection method: clinical testing. Allele origin: germline.
Comment: The p.V796L variant (also known as c.2386G>C), located in coding exon 25 of the RTEL1 gene, results from a G to C substitution at nucleotide position 2386. The valine at codon 796 is replaced by leucine, an amino acid with highly similar properties. This amino acid position is conserved. In addition, this alteration is predicted to be tolerated by in silico analysis. Based on the available evidence, the clinical significance of this variant remains unclear.

Labcorp Genetics (formerly Invitae), Labcorp
Classification: Uncertain significance for Dyskeratosis congenita, autosomal recessive 5; Pulmonary fibrosis and/or bone marrow failure, Telomere-related, 3. Last evaluated: 2022-12-28. Review status: criteria provided, single submitter. Criteria: Invitae Variant Classification Sherloc (09022015). Collection method: clinical testing. Allele origin: germline.
Comment: This sequence change replaces valine, which is neutral and non-polar, with leucine, which is neutral and non-polar, at codon 796 of the RTEL1 protein (p.Val796Leu). The frequency data for this variant in the population databases is considered unreliable, as metrics indicate poor data quality at this position in the gnomAD database. This variant has not been reported in the literature in individuals affected with RTEL1-related conditions. Algorithms developed to predict the effect of missense changes on protein structure and function are either unavailable or do not agree on the potential impact of this missense change (SIFT: "Deleterious"; PolyPhen-2: "Benign"; Align-GVGD: "Class C0"). In summary, the available evidence is currently insufficient to determine the role of this variant in disease. Therefore, it has been classified as a Variant of Uncertain Significance.